The following is an entry in ClinVar:

ClinVar aggregate classification (germline): Pathogenic/Likely pathogenic. Review status: criteria provided, multiple submitters, no conflicts (2 of 4 stars). 2 submissions from 2 submitters: Pathogenic (1); Likely pathogenic (1). Last evaluated 2023-11-21.

Conditions:
Inborn genetic diseases. Identifiers: MedGen C0950123, MeSH D030342.

Submissions (2):

GeneDx
Classification: Pathogenic. Last evaluated: 2023-11-21. Review status: criteria provided, single submitter. Criteria: GeneDx Variant Classification Process June 2021. Collection method: clinical testing. Allele origin: germline. Affected: yes.
Comment: Not observed at significant frequency in large population cohorts (gnomAD); In silico analysis supports that this missense variant has a deleterious effect on protein structure/function; This variant is associated with the following publications: (PMID: 35753050, 34321324)

Ambry Genetics
Classification: Likely pathogenic for Inborn genetic diseases. Last evaluated: 2018-10-02. Review status: criteria provided, single submitter. Criteria: Ambry exome assertion method (8-5-2015). Collection method: clinical testing. Allele origin: germline. Affected: yes. Observed: 1 variant allele.

Literature cited by the submitters: PubMed 23545411 (cited by Ambry Genetics).

NM_001348768.2(HECW2):c.4514G>C (p.Ser1505Thr)

Gene: HECW2 (HECT, C2 and WW domain containing E3 ubiquitin protein ligase 2; minus strand). Cytogenetic location: 2q32.3.
Variant type: single nucleotide variant.
Coding change: c.4514G>C on transcript NM_001348768.2 (MANE Select); coding-DNA position 4514, G replaced by C.
Protein change: p.Ser1505Thr; replaces serine 1505 with threonine.
Molecular consequence: missense variant.
Genome position (GRCh38, 1-based): chr2:196,215,958, C>G on the plus strand (G>C on the coding strand, the complement: HECW2 is on the minus strand). VCF-style: chr2-196215958-C-G. GRCh37 (hg19) VCF-style: chr2-197080682-C-G.
Other names: c.3446G>C, p.Ser1149Thr (NM_001304840.3); c.4514G>C, p.Ser1505Thr (NM_020760.4); short protein forms S1149T, S1505T.
Identifiers: ClinVar variation 985697 (VCV000985697.4), dbSNP rs1687461276, ClinGen allele CA349942154.